The following is an entry in ClinVar:

NM_194255.4(SLC19A1):c.1250T>C (p.Ile417Thr)

Gene: SLC19A1 (solute carrier family 19 member 1; minus strand). Cytogenetic location: 21q22.3.
Variant type: single nucleotide variant.
Coding change: c.1250T>C on transcript NM_194255.4 (MANE Select); coding-DNA position 1250, T replaced by C.
Protein change: p.Ile417Thr; replaces isoleucine 417 with threonine.
Molecular consequence: missense variant.
Genome position (GRCh38, 1-based): chr21:45,525,860, A>G on the plus strand (T>C on the coding strand, the complement: SLC19A1 is on the minus strand). VCF-style: chr21-45525860-A-G. GRCh37 (hg19) VCF-style: chr21-46945774-A-G.
Other names: c.1250T>C (NM_194255.2); c.1250T>C, p.Ile417Thr (NM_001205206.4, NM_001352511.3, NM_001352512.2); c.1130T>C, p.Ile377Thr (NM_001205207.3); c.896T>C, p.Ile299Thr (NM_001352510.2); short protein forms I299T, I377T, I417T.
Identifiers: ClinVar variation 1566955 (VCV001566955.11), dbSNP rs138047632, ClinGen allele CA10068360.

ClinVar aggregate classification (germline): Benign. Review status: criteria provided, multiple submitters, no conflicts (2 of 4 stars). 3 submissions from 3 submitters: Benign (2). 1 of the submissions does not count toward it. Last evaluated 2025-12-29.

Conditions:
SLC19A1-related disorder. Also called: SLC19A1-related condition.

Allele frequency attached by ClinVar (database versions not stated): 1000 Genomes Project 30x 0.00016; 1000 Genomes Project 0.00020; TOPMed 0.00141; ESP Exome Variant Server 0.00177; gnomAD 0.00198 and 0.00227; gnomAD exomes 0.00235 and 0.00256; ExAC 0.00253.
gnomAD v4.1: 4,073 of 1,613,508 alleles (0.25%); highest among the groups gnomAD compares: Non-Finnish European, 0.26%; 5 homozygotes.

Submissions (3):

Labcorp Genetics (formerly Invitae), Labcorp
Classification: Benign. Last evaluated: 2025-12-29. Review status: criteria provided, single submitter. Criteria: Invitae Variant Classification Sherloc (09022015). Collection method: clinical testing. Allele origin: germline.

Breakthrough Genomics
Classification: Benign. Review status: criteria provided, single submitter. Criteria: ACMG Guidelines, 2015. Collection method: not provided. Allele origin: germline. Inheritance: Autosomal recessive inheritance. Affected: yes.

PreventionGenetics, part of Exact Sciences
Classification: Benign for SLC19A1-related condition. Last evaluated: 2019-08-27. Review status: no assertion criteria provided. Collection method: clinical testing. Allele origin: germline. Not counted in ClinVar's aggregate classification.
Comment: This variant is classified as benign based on ACMG/AMP sequence variant interpretation guidelines (Richards et al. 2015 PMID: 25741868, with internal and published modifications).